The following is an entry in ClinVar:

ClinVar aggregate classification (germline): Uncertain significance (1 of 4 stars; one submission).

Allele frequency attached by ClinVar (database versions not stated): ExAC 0.00008.
gnomAD v4.1: 3 of 1,595,350 alleles (0.00019%); highest among the groups gnomAD compares: Admixed American, 0.0051%; no homozygotes.

Submission:

Labcorp Genetics (formerly Invitae), Labcorp
Classification: Uncertain significance. Last evaluated: 2025-12-06. Review status: criteria provided, single submitter. Criteria: Invitae Variant Classification Sherloc (09022015). Collection method: clinical testing. Allele origin: germline.
Comment: This sequence change replaces arginine, which is basic and polar, with glycine, which is neutral and non-polar, at codon 181 of the KL protein (p.Arg181Gly). The frequency data for this variant in the population databases is considered unreliable, as metrics indicate poor data quality at this position in the gnomAD database. This variant has not been reported in the literature in individuals affected with KL-related conditions. ClinVar contains an entry for this variant (Variation ID: 2978054). Invitae Evidence Modeling of protein sequence and biophysical properties (such as structural, functional, and spatial information, amino acid conservation, physicochemical variation, residue mobility, and thermodynamic stability) indicates that this missense variant is not expected to disrupt KL protein function with a negative predictive value of 80%. In summary, the available evidence is currently insufficient to determine the role of this variant in disease. Therefore, it has been classified as a Variant of Uncertain Significance.

NM_004795.4(KL):c.541C>G (p.Arg181Gly)

Gene: KL (klotho; plus strand). Cytogenetic location: 13q13.1.
Variant type: single nucleotide variant.
Coding change: c.541C>G on transcript NM_004795.4 (MANE Select); coding-DNA position 541, C replaced by G.
Protein change: p.Arg181Gly; replaces arginine 181 with glycine.
Molecular consequence: missense variant.
Genome position (GRCh38, 1-based): chr13:33,016,981, C>G. VCF-style: chr13-33016981-C-G. GRCh37 (hg19) VCF-style: chr13-33591119-C-G.
Other names: short protein forms R181G.
Identifiers: ClinVar variation 2978054 (VCV002978054.3), dbSNP rs774869236, ClinGen allele CA6943913.